The following is an entry in ClinVar:

NM_001378452.1(ITPR1):c.8055G>C (p.Arg2685Ser)

Gene: ITPR1 (inositol 1,4,5-trisphosphate receptor type 1; plus strand). Cytogenetic location: 3p26.1.
Variant type: single nucleotide variant.
Coding change: c.8055G>C on transcript NM_001378452.1 (MANE Select); coding-DNA position 8055, G replaced by C.
Protein change: p.Arg2685Ser; replaces arginine 2685 with serine.
Molecular consequence: missense variant.
Genome position (GRCh38, 1-based): chr3:4,836,800, G>C. VCF-style: chr3-4836800-G-C. GRCh37 (hg19) VCF-style: chr3-4878484-G-C.
Other names: c.7911G>C, p.Arg2637Ser (NM_001099952.4); c.8010G>C, p.Arg2670Ser (NM_001168272.2); c.7866G>C, p.Arg2622Ser (NM_002222.7); short protein forms R2670S, R2685S, R2637S, R2622S.
Identifiers: ClinVar variation 2842658 (VCV002842658.3), dbSNP rs756769249, ClinGen allele CA351793533.

ClinVar aggregate classification (germline): Uncertain significance (1 of 4 stars; one submission).

Submission:

Labcorp Genetics (formerly Invitae), Labcorp
Classification: Uncertain significance. Last evaluated: 2024-10-16. Review status: criteria provided, single submitter. Criteria: Invitae Variant Classification Sherloc (09022015). Collection method: clinical testing. Allele origin: germline.
Comment: This sequence change replaces arginine, which is basic and polar, with serine, which is neutral and polar, at codon 2622 of the ITPR1 protein (p.Arg2622Ser). This variant is not present in population databases (gnomAD no frequency). This variant has not been reported in the literature in individuals affected with ITPR1-related conditions. Invitae Evidence Modeling of protein sequence and biophysical properties (such as structural, functional, and spatial information, amino acid conservation, physicochemical variation, residue mobility, and thermodynamic stability) indicates that this missense variant is expected to disrupt ITPR1 protein function with a positive predictive value of 95%. In summary, the available evidence is currently insufficient to determine the role of this variant in disease. Therefore, it has been classified as a Variant of Uncertain Significance.